The following is an entry in ClinVar:

ClinVar aggregate classification (germline): Likely benign (1 of 4 stars; one submission).

Conditions:
Amyotrophic lateral sclerosis type 10 (ALS10). Also called: Amyotrophic lateral sclerosis 10, with or without FTD; AMYOTROPHIC LATERAL SCLEROSIS 10 WITH OR WITHOUT FRONTOTEMPORAL DEMENTIA; AMYOTROPHIC LATERAL SCLEROSIS 10 WITHOUT FRONTOTEMPORAL DEMENTIA AND WITH TDP43 INCLUSIONS; AMYOTROPHIC LATERAL SCLEROSIS 10 WITH OR WITHOUT FRONTOTEMPORAL DEMENTIA AND WITH TDP43 INCLUSIONS; TARDBP-Related Amyotrophic Lateral Sclerosis-Frontotemporal Dementia. Identifiers: Orphanet 275872, Orphanet 803, MedGen C2677565, MONDO:0012790, OMIM 612069.

Allele frequency attached by ClinVar (database versions not stated): gnomAD 0.00051 and 0.00053; TOPMed 0.00054; 1000 Genomes Project 0.00040; 1000 Genomes Project 30x 0.00047.

Submission:

Illumina Laboratory Services, Illumina
Classification: Likely benign for Amyotrophic lateral sclerosis type 10. Last evaluated: 2018-01-12. Review status: criteria provided, single submitter. Criteria: ICSL Variant Classification Criteria 13 December 2019. Collection method: clinical testing. Allele origin: germline.
Comment: This variant was observed in the ICSL laboratory as part of a predisposition screen in an ostensibly healthy population. It had not been previously curated by ICSL or reported in the Human Gene Mutation Database (HGMD: prior to June 1st, 2018), and was therefore a candidate for classification through an automated scoring system. Utilizing variant allele frequency, disease prevalence and penetrance estimates, and inheritance mode, an automated score was calculated to assess if this variant is too frequent to cause the disease. Based on the score and internal cut-off values, a variant classified as likely benign is not then subjected to further curation. The score for this variant resulted in a classification of likely benign for this disease.

NM_007375.3(TARDBP):c.-110C>T

Gene: TARDBP (TAR DNA binding protein; plus strand). Cytogenetic location: 1p36.22.
Variant type: single nucleotide variant.
Coding change: c.-110C>T on transcript NM_007375.3; 110 bases upstream of the start codon, C replaced by T.
Genome position (GRCh38, 1-based): chr1:11,012,646, C>T. VCF-style: chr1-11012646-C-T. GRCh37 (hg19) VCF-style: chr1-11072703-C-T.
Identifiers: ClinVar variation 291730 (VCV000291730.7), dbSNP rs577981181, ClinGen allele CA10607290.